The following is an entry in ClinVar:

NM_012268.4(PLD3):c.440T>C (p.Val147Ala)

Gene: PLD3 (phospholipase D family member 3; plus strand). Cytogenetic location: 19q13.2.
Variant type: single nucleotide variant.
Coding change: c.440T>C on transcript NM_012268.4 (MANE Select); coding-DNA position 440, T replaced by C.
Protein change: p.Val147Ala; replaces valine 147 with alanine.
Molecular consequence: missense variant.
Genome position (GRCh38, 1-based): chr19:40,369,918, T>C. VCF-style: chr19-40369918-T-C. GRCh37 (hg19) VCF-style: chr19-40875825-T-C.
Other names: c.440T>C (NM_012268.2); c.440T>C, p.Val147Ala (NM_001031696.4, NM_001291311.2); short protein forms V147A.
Identifiers: ClinVar variation 1956439 (VCV001956439.7), dbSNP rs1404773005, ClinGen allele CA405870075.

ClinVar aggregate classification (germline): Uncertain significance. Review status: criteria provided, multiple submitters, no conflicts (2 of 4 stars). 2 submissions from 2 submitters: Uncertain significance (2). Last evaluated 2023-07-12.

Allele frequency attached by ClinVar (database versions not stated): gnomAD 0.00001; TOPMed 0.00001; gnomAD exomes 0.00002.

Submissions (2):

Ambry Genetics
Classification: Uncertain significance. Last evaluated: 2023-07-12. Review status: criteria provided, single submitter. Criteria: Ambry Variant Classification Scheme 2023. Collection method: clinical testing. Allele origin: germline.

Labcorp Genetics (formerly Invitae), Labcorp
Classification: Uncertain significance. Last evaluated: 2022-06-15. Review status: criteria provided, single submitter. Criteria: Invitae Variant Classification Sherloc (09022015). Collection method: clinical testing. Allele origin: germline.
Comment: Algorithms developed to predict the effect of missense changes on protein structure and function are either unavailable or do not agree on the potential impact of this missense change (SIFT: "Deleterious"; PolyPhen-2: "Benign"; Align-GVGD: "Class C0"). In summary, the available evidence is currently insufficient to determine the role of this variant in disease. Therefore, it has been classified as a Variant of Uncertain Significance. This sequence change replaces valine, which is neutral and non-polar, with alanine, which is neutral and non-polar, at codon 147 of the PLD3 protein (p.Val147Ala). This variant has not been reported in the literature in individuals affected with PLD3-related conditions. The frequency data for this variant in the population databases is considered unreliable, as metrics indicate poor data quality at this position in the gnomAD database.